The following is an entry in ClinVar:

NM_001429.4(EP300):c.3747G>C (p.Glu1249Asp)

Gene: EP300 (EP300 lysine acetyltransferase; plus strand). Cytogenetic location: 22q13.2.
Variant type: single nucleotide variant.
Coding change: c.3747G>C on transcript NM_001429.4 (MANE Select); coding-DNA position 3747, G replaced by C.
Protein change: p.Glu1249Asp; replaces glutamic acid 1249 with aspartic acid.
Molecular consequence: missense variant.
Genome position (GRCh38, 1-based): chr22:41,164,071, G>C. VCF-style: chr22-41164071-G-C. GRCh37 (hg19) VCF-style: chr22-41560075-G-C.
Other names: c.3669G>C, p.Glu1223Asp (NM_001362843.2); short protein forms E1223D, E1249D.
Identifiers: ClinVar variation 2653204 (VCV002653204.24), dbSNP rs200852894, ClinGen allele CA10253234.

ClinVar aggregate classification (germline): Uncertain significance (1 of 4 stars; one submission).

Submission:

CeGaT Center for Human Genetics Tuebingen
Classification: Uncertain significance. Last evaluated: 2023-02-01. Review status: criteria provided, single submitter. Criteria: CeGaT Center For Human Genetics Tuebingen Variant Classification Criteria Version 2. Collection method: clinical testing. Allele origin: germline. Affected: yes. Observed: 1 variant allele.
Comment: EP300: PM2